The following is an entry in ClinVar:

NM_001039348.3(EFEMP1):c.1115C>T (p.Thr372Ile)

Gene: EFEMP1 (EGF-like fibulin extracellular matrix protein 1; minus strand). Cytogenetic location: 2p16.1.
Variant type: single nucleotide variant.
Coding change: c.1115C>T on transcript NM_001039348.3 (MANE Select); coding-DNA position 1115, C replaced by T.
Protein change: p.Thr372Ile; replaces threonine 372 with isoleucine.
Molecular consequence: missense variant.
Genome position (GRCh38, 1-based): chr2:55,871,009, G>A on the plus strand (C>T on the coding strand, the complement: EFEMP1 is on the minus strand). VCF-style: chr2-55871009-G-A. GRCh37 (hg19) VCF-style: chr2-56098144-G-A.
Other names: c.1115C>T, p.Thr372Ile (NM_001039349.3); short protein forms T372I.
Identifiers: ClinVar variation 1915301 (VCV001915301.6), dbSNP rs2465732650, ClinGen allele CA347028264.
Genomic context (GRCh38, chr2:55,871,009, plus strand): 5'-GCTTGGTAAGACCAGAAAATCCTCACTTTCAAAAGTTCTGATTTTTCTTACTTCTCTGGT[G>A]TTAGAATGTAGGGATCTTGACAAGGATTTCGTGGATAACAACGGAAGCCGCCATGATAAT-3'
Protein context (NP_001034437.1, residues 362-382): RNPCQDPYIL[Thr372Ile]PENRCVCPVS

ClinVar aggregate classification (germline): Uncertain significance. Review status: criteria provided, multiple submitters, no conflicts (2 of 4 stars). 2 submissions from 2 submitters: Uncertain significance (2). Last evaluated 2024-06-30.

Allele frequency attached by ClinVar (database versions not stated): gnomAD exomes below 0.00001.
gnomAD v4.1: 1 of 1,613,718 alleles (0.000062%); highest among the groups gnomAD compares: Non-Finnish European, 0.000085%; no homozygotes.

Submissions (2):

Labcorp Genetics (formerly Invitae), Labcorp
Classification: Uncertain significance. Last evaluated: 2024-06-30. Review status: criteria provided, single submitter. Criteria: Invitae Variant Classification Sherloc (09022015). Collection method: clinical testing. Allele origin: germline.
Comment: This sequence change replaces threonine, which is neutral and polar, with isoleucine, which is neutral and non-polar, at codon 372 of the EFEMP1 protein (p.Thr372Ile). This variant is not present in population databases (gnomAD no frequency). This variant has not been reported in the literature in individuals affected with EFEMP1-related conditions. ClinVar contains an entry for this variant (Variation ID: 1915301). Advanced modeling of protein sequence and biophysical properties (such as structural, functional, and spatial information, amino acid conservation, physicochemical variation, residue mobility, and thermodynamic stability) performed at Invitae indicates that this missense variant is not expected to disrupt EFEMP1 protein function with a negative predictive value of 80%. In summary, the available evidence is currently insufficient to determine the role of this variant in disease. Therefore, it has been classified as a Variant of Uncertain Significance.

Blueprint Genetics
Classification: Uncertain significance. Last evaluated: 2024-02-16. Review status: criteria provided, single submitter. Criteria: ACMG Guidelines, 2015. Collection method: clinical testing. Allele origin: germline.